The following is an entry in ClinVar:

NM_014140.4(SMARCAL1):c.250dup (p.Gln84fs)

Gene: SMARCAL1 (SNF2 related chromatin remodeling annealing helicase 1; plus strand). Cytogenetic location: 2q35.
Variant type: Duplication.
Coding change: c.250dup on transcript NM_014140.4 (MANE Select); coding-DNA position 250, one base duplicated (C; older notation c.250dupC).
Protein change: p.Gln84fs; shifts the reading frame from glutamine 84.
Molecular consequence: frameshift variant.
Genome position (GRCh38, 1-based): chr2:216,414,954, C duplicated; the last of 2 consecutive C bases (chr2:216,414,953-216,414,954); duplicating either gives the same sequence. VCF-style (leftmost placement, unchanged base first): chr2-216414952-A-AC. GRCh37 (hg19) VCF-style: chr2-217279675-A-AC.
Other names: c.250dup, p.Gln84fs (NM_001127207.2); c.250dupC (NM_014140.3); short protein forms Q84fs.
Identifiers: ClinVar variation 870377 (VCV000870377.8), dbSNP rs1693554666, ClinGen allele CA916080303.
Genomic context (GRCh38, chr2:216,414,952, plus strand): 5'-AGCCAGTGAGCCATGGTGTCATTTTCAAGCAACAGAATCTCAGTAGCTCATCTAATGCTG[A>AC]CCAAAGACCTCATGATTCCCACAGTTTTCAGGCAAAGGGAATATGGAAAAAGCCAGAAGA-3'

ClinVar aggregate classification (germline): Pathogenic. Review status: criteria provided, multiple submitters, no conflicts (2 of 4 stars). 2 submissions from 2 submitters: Pathogenic (2). Last evaluated 2022-02-02.

Conditions:
Schimke immuno-osseous dysplasia (SIOD). Also called: Schimke Immunoosseous Dysplasia. Identifiers: Orphanet 1830, MedGen C0877024, MONDO:0009458, OMIM 242900.

Submissions (2):

Victorian Clinical Genetics Services, Murdoch Childrens Research Institute
Classification: Pathogenic for Schimke immuno-osseous dysplasia. Last evaluated: 2022-02-02. Review status: criteria provided, single submitter. Criteria: ACMG Guidelines, 2015. Collection method: clinical testing. Allele origin: germline. Inheritance: Autosomal recessive inheritance.
Comment: Based on the classification scheme VCGS_Germline_v1.3.4, this variant is classified as Pathogenic. Following criteria are met: 0102 - Loss of function is a known mechanism of disease in this gene and is associated with Schimke immunoosseous dysplasia (MIM#242900). (I) 0106 - This gene is associated with autosomal recessive disease. (I) 0201 - Variant is predicted to cause nonsense-mediated decay (NMD) and loss of protein (premature termination codon is located at least 54 nucleotides upstream of the final exon-exon junction). (SP) 0251 - This variant is heterozygous. (I) 0301 - Variant is absent from gnomAD (both v2 and v3). (SP) 0701 - Other NMD predicted variants comparable to the one identified in this case have very strong previous evidence for pathogenicity. Other variants predicted to cause NMD have been reported in ClinVar as pathogenic in individuals with Schimke immunoosseous dysplasia. (SP) 0807 - This variant has no previous evidence of pathogenicity. (I) 0905 - No published segregation evidence has been identified for this variant. (I) 1007 - No published functional evidence has been identified for this variant. (I) Legend: (SP) - Supporting pathogenic, (I) - Information, (SB) - Supporting benign

Labcorp Genetics (formerly Invitae), Labcorp
Classification: Pathogenic for Schimke immuno-osseous dysplasia. Last evaluated: 2021-10-27. Review status: criteria provided, single submitter. Criteria: Invitae Variant Classification Sherloc (09022015). Collection method: clinical testing. Allele origin: germline.
Comment: For these reasons, this variant has been classified as Pathogenic. ClinVar contains an entry for this variant (Variation ID: 870377). This variant has not been reported in the literature in individuals affected with SMARCAL1-related conditions. This variant is not present in population databases (gnomAD no frequency). This sequence change creates a premature translational stop signal (p.Gln84Profs*5) in the SMARCAL1 gene. It is expected to result in an absent or disrupted protein product. Loss-of-function variants in SMARCAL1 are known to be pathogenic (PMID: 11799392, 20301550).

Literature cited by the submitters: PubMed 11799392 (cited by Labcorp Genetics (formerly Invitae), Labcorp); PubMed 20301550 (cited by Labcorp Genetics (formerly Invitae), Labcorp).